The following is an entry in ClinVar:

ClinVar aggregate classification (germline): Benign/Likely benign. Review status: criteria provided, multiple submitters, no conflicts (2 of 4 stars). 4 submissions from 4 submitters: Benign (1); Likely benign (2). 1 of the submissions does not count toward it. Last evaluated 2026-09-01.

Conditions:
Inborn genetic diseases. Identifiers: MedGen C0950123, MeSH D030342.
TRIO-related disorder. Also called: TRIO-related condition; TRIO-related disorders.

Allele frequency attached by ClinVar (database versions not stated): gnomAD exomes 0.00003 and 0.00008; ExAC 0.00010; 1000 Genomes Project 0.00020; 1000 Genomes Project 30x 0.00031; gnomAD 0.00031 and 0.00033; TOPMed 0.00042.
gnomAD v4.1: 98 of 1,609,696 alleles (0.0061%); highest among the groups gnomAD compares: African/African-American, 0.11%; 1 homozygote.

Submissions (4):

CeGaT Center for Human Genetics Tuebingen
Classification: Benign. Last evaluated: 2026-09-01. Review status: criteria provided, single submitter. Criteria: CeGaT Center For Human Genetics Tuebingen Variant Classification Criteria Version 2. Collection method: clinical testing. Allele origin: germline. Affected: yes. Observed: 2 variant alleles.
Comment: TRIO: BS1, BS2

Ambry Genetics
Classification: Likely benign for Inborn genetic diseases. Last evaluated: 2022-05-27. Review status: criteria provided, single submitter. Criteria: Ambry Variant Classification Scheme 2023. Collection method: clinical testing. Allele origin: germline.

GeneDx
Classification: Likely benign. Last evaluated: 2020-09-21. Review status: criteria provided, single submitter. Criteria: GeneDx Variant Classification Process June 2021. Collection method: clinical testing. Allele origin: germline. Affected: yes.

PreventionGenetics, part of Exact Sciences
Classification: Likely benign for TRIO-related condition. Last evaluated: 2020-12-07. Review status: no assertion criteria provided. Collection method: clinical testing. Allele origin: germline. Not counted in ClinVar's aggregate classification.
Comment: This variant is classified as likely benign based on ACMG/AMP sequence variant interpretation guidelines (Richards et al. 2015 PMID: 25741868, with internal and published modifications).

NM_007118.4(TRIO):c.7490C>T (p.Pro2497Leu)

Gene: TRIO (trio Rho guanine nucleotide exchange factor; plus strand). Cytogenetic location: 5p15.2.
Variant type: single nucleotide variant.
Coding change: c.7490C>T on transcript NM_007118.4 (MANE Select); coding-DNA position 7490, C replaced by T.
Protein change: p.Pro2497Leu; replaces proline 2497 with leucine.
Molecular consequence: missense variant.
Genome position (GRCh38, 1-based): chr5:14,488,118, C>T. VCF-style: chr5-14488118-C-T. GRCh37 (hg19) VCF-style: chr5-14488227-C-T.
Other names: c.7490C>T (NM_007118.3); short protein forms P2497L.
Identifiers: ClinVar variation 1188695 (VCV001188695.28), dbSNP rs575340932, ClinGen allele CA3207458.